The following is an entry in ClinVar:

ClinVar aggregate classification (germline): Uncertain significance (1 of 4 stars; one submission).

Conditions:
Deficiency of alpha-mannosidase (MANSA). Also called: Alpha-Mannosidosis; LYSOSOMAL ALPHA-D-MANNOSIDASE DEFICIENCY; Mannosidosis, alpha-, types I and II. Identifiers: Orphanet 61, MedGen C0024748, MONDO:0009561, OMIM 248500.

Allele frequency attached by ClinVar (database versions not stated): gnomAD exomes below 0.00001 and 0.00001; TOPMed 0.00001.
gnomAD v4.1: 2 of 1,553,718 alleles (0.00013%); highest among the groups gnomAD compares: South Asian, 0.0024%; no homozygotes.

Submission:

Labcorp Genetics (formerly Invitae), Labcorp
Classification: Uncertain significance for Deficiency of alpha-mannosidase. Last evaluated: 2021-08-28. Review status: criteria provided, single submitter. Criteria: Invitae Variant Classification Sherloc (09022015). Collection method: clinical testing. Allele origin: germline.
Comment: This sequence change replaces glycine with aspartic acid at codon 20 of the MAN2B1 protein (p.Gly20Asp). The glycine residue is weakly conserved and there is a moderate physicochemical difference between glycine and aspartic acid. The frequency data for this variant in the population databases is considered unreliable, as metrics indicate insufficient coverage at this position in the ExAC database. This variant has not been reported in the literature in individuals affected with MAN2B1-related conditions. Algorithms developed to predict the effect of missense changes on protein structure and function are either unavailable or do not agree on the potential impact of this missense change (SIFT: "Deleterious"; PolyPhen-2: "Benign"; Align-GVGD: "Class C0"). In summary, the available evidence is currently insufficient to determine the role of this variant in disease. Therefore, it has been classified as a Variant of Uncertain Significance.

NM_000528.4(MAN2B1):c.59G>A (p.Gly20Asp)

Genes: MAN2B1 (mannosidase alpha class 2B member 1; minus strand), LOC130063650 (ATAC-STARR-seq lymphoblastoid silent region 10156; plus strand). Cytogenetic location: 19p13.13.
Variant type: single nucleotide variant.
Coding change: c.59G>A on transcript NM_000528.4 (MANE Select); coding-DNA position 59, G replaced by A.
Protein change: p.Gly20Asp; replaces glycine 20 with aspartic acid.
Molecular consequence: missense variant.
Genome position (GRCh38, 1-based): chr19:12,666,643, C>T on the plus strand (G>A on the coding strand, the complement: MAN2B1 is on the minus strand). VCF-style: chr19-12666643-C-T. GRCh37 (hg19) VCF-style: chr19-12777457-C-T.
Other names: c.59G>A, p.Gly20Asp (NM_001173498.2); short protein forms G20D.
Identifiers: ClinVar variation 1503051 (VCV001503051.5), dbSNP rs1220611493, ClinGen allele CA404260874.
Genomic context (GRCh38, chr19:12,666,643, plus strand): 5'-AAAAGGAAAAAGCAGAGAGGCGGGAGCGGTGGCCGCAGGGCGCGGGACATGGTCCAGGGG[C>T]CTGCTGAGTCCAGGCAGCCGCGAGCGCAGACCCCCGAAGCCCGCGCGTAGGCGCCCATGG-3'
Protein context (NP_000519.2, residues 10-30): VCARGCLDSA[Gly20Asp]PWTMSRALRP